The following is an entry in ClinVar:

ClinVar aggregate classification (germline): Likely benign (1 of 4 stars; one submission).

gnomAD v4.1: 327 of 396,122 alleles (0.083%); highest among the groups gnomAD compares: Middle Eastern, 0.76%; no homozygotes.

Submission:

CeGaT Center for Human Genetics Tuebingen
Classification: Likely benign. Last evaluated: 2025-06-01. Review status: criteria provided, single submitter. Criteria: CeGaT Center For Human Genetics Tuebingen Variant Classification Criteria Version 2. Collection method: clinical testing. Allele origin: germline. Affected: yes. Observed: 1 variant allele.
Comment: USP9Y: BP4, BP7

NM_004654.4(USP9Y):c.5919G>A (p.Glu1973=)

Gene: USP9Y (ubiquitin specific peptidase 9 Y-linked; plus strand). Cytogenetic location: Yq11.221.
Variant type: single nucleotide variant.
Coding change: c.5919G>A on transcript NM_004654.4 (MANE Select); coding-DNA position 5919, G replaced by A.
Protein change: p.Glu1973=; no amino-acid change (glutamic acid 1973 retained).
Molecular consequence: synonymous variant.
Genome position (GRCh38, 1-based): chrY:12,840,445, G>A. VCF-style: chrY-12840445-G-A. GRCh37 (hg19) VCF-style: chrY-14952371-G-A.
Identifiers: ClinVar variation 4083837 (VCV004083837.8).